The following is an entry in ClinVar:

NM_001376.5(DYNC1H1):c.237G>A (p.Val79=)

Gene: DYNC1H1 (dynein cytoplasmic 1 heavy chain 1; plus strand). Cytogenetic location: 14q32.31.
Variant type: single nucleotide variant.
Coding change: c.237G>A on transcript NM_001376.5 (MANE Select); coding-DNA position 237, G replaced by A.
Protein change: p.Val79=; no amino-acid change (valine 79 retained).
Molecular consequence: synonymous variant.
Genome position (GRCh38, 1-based): chr14:101,964,928, G>A. VCF-style: chr14-101964928-G-A. GRCh37 (hg19) VCF-style: chr14-102431265-G-A.
Identifiers: ClinVar variation 2198987 (VCV002198987.6), dbSNP rs2503644647, ClinGen allele CA488183164.
Genomic context (GRCh38, chr14:101,964,928, plus strand): 5'-GAGCGCCCTGGAGCAGATGCGCAAGTTCCTTTCGGACCCGCAGGTCCACACGGTGCTGGT[G>A]GAGCGCTCCACGCTCAAAGGTGCGGGGCCGCGGAGGGCAGGGTCGCCAGAGCCAGGCCTC-3'
Protein context (NP_001367.2, residues 69-89): LSDPQVHTVL[Val79=]ERSTLKEDVG

ClinVar aggregate classification (germline): Conflicting classifications of pathogenicity. Review status: criteria provided, conflicting classifications (1 of 4 stars). 2 submissions from 2 submitters: Uncertain significance (1); Likely benign (1). Last evaluated 2024-05-07.

Conditions:
Charcot-Marie-Tooth disease axonal type 2O. Also called: CHARCOT-MARIE-TOOTH NEUROPATHY, AXONAL, TYPE 2O; CHARCOT-MARIE-TOOTH DISEASE, AXONAL, AUTOSOMAL DOMINANT, TYPE 2O; Charcot-Marie-Tooth Neuropathy Type 2O; Charcot-Marie-Tooth disease, axonal, type 20. Identifiers: Orphanet 284232, MedGen C3280220, MONDO:0013644, OMIM 614228.

Submissions (2):

GeneDx
Classification: Uncertain significance. Last evaluated: 2024-05-07. Review status: criteria provided, single submitter. Criteria: GeneDx Variant Classification Process June 2021. Collection method: clinical testing. Allele origin: germline.
Comment: Not observed at significant frequency in large population cohorts (gnomAD); In silico analysis indicates that this variant does not alter splicing; Has not been previously published as pathogenic or benign to our knowledge

Labcorp Genetics (formerly Invitae), Labcorp
Classification: Likely benign for Charcot-Marie-Tooth disease axonal type 2O. Last evaluated: 2022-05-17. Review status: criteria provided, single submitter. Criteria: Invitae Variant Classification Sherloc (09022015). Collection method: clinical testing. Allele origin: germline.